The following is an entry in ClinVar:

ClinVar aggregate classification (germline): Uncertain significance (1 of 4 stars; one submission).

Conditions:
Hereditary cancer-predisposing syndrome. Also called: Neoplastic Syndromes, Hereditary; Tumor predisposition; Hereditary Cancer Syndrome; Hereditary neoplastic syndrome. Identifiers: Orphanet 140162, MedGen C0027672, MeSH D009386, MONDO:0015356.

Submission:

Ambry Genetics
Classification: Uncertain significance for Hereditary cancer-predisposing syndrome. Last evaluated: 2025-11-02. Review status: criteria provided, single submitter. Criteria: Ambry Variant Classification Scheme 2023. Collection method: clinical testing. Allele origin: germline.
Comment: The p.A212S variant (also known as c.634G>T), located in coding exon 4 of the BARD1 gene, results from a G to T substitution at nucleotide position 634. The alanine at codon 212 is replaced by serine, an amino acid with similar properties. This amino acid position is conserved. In addition, this alteration is predicted to be tolerated by in silico analysis. Based on the available evidence, the clinical significance of this variant remains unclear.

NM_000465.4(BARD1):c.634G>T (p.Ala212Ser)

Gene: BARD1 (BRCA1 associated RING domain 1; minus strand). Cytogenetic location: 2q35.
Variant type: single nucleotide variant.
Coding change: c.634G>T on transcript NM_000465.4 (MANE Select); coding-DNA position 634, G replaced by T.
Protein change: p.Ala212Ser; replaces alanine 212 with serine.
Molecular consequence: missense variant. On other transcripts: non-coding transcript variant (2), intron variant (3).
Genome position (GRCh38, 1-based): chr2:214,781,240, C>A on the plus strand (G>T on the coding strand, the complement: BARD1 is on the minus strand). VCF-style: chr2-214781240-C-A. GRCh37 (hg19) VCF-style: chr2-215645964-C-A.
Other names: c.577G>T, p.Ala193Ser (NM_001282543.2); c.158+28172G>T (NM_001282548.2); c.215+15821G>T (NM_001282545.2); c.364+11057G>T (NM_001282549.2); short protein forms A212S, A193S.
Identifiers: ClinVar variation 4621737 (VCV004621737.1).
Genomic context (GRCh38, chr2:214,781,240, plus strand): 5'-TGGAGTCAAATTCACCATCTTCTTTTTCTGCCTCTAAATTCCATTTTTGGTTGATTTCAG[C>A]TAAAGTTTTCTTTTTTTGCTTTTTTCCAGATCTTGCAGAAGCCTTTTTAGCCCTCTCAGA-3'
Protein context (NP_000456.2, residues 202-222): SGKKQKKKTL[Ala212Ser]EINQKWNLEA